The following is an entry in ClinVar:

ClinVar aggregate classification (germline): Uncertain significance (1 of 4 stars; one submission).

Submission:

GeneDx
Classification: Uncertain significance. Last evaluated: 2022-12-01. Review status: criteria provided, single submitter. Criteria: GeneDx Variant Classification Process June 2021. Collection method: clinical testing. Allele origin: germline. Affected: yes.
Comment: In-frame deletion of 2 amino acids in a non-repeat region; In silico analysis supports that this variant does not alter protein structure/function; Not observed at significant frequency in large population cohorts (gnomAD); Has not been previously published as pathogenic or benign to our knowledge

NM_004006.3(DMD):c.10270_10275del (p.Ser3424_Ser3425del)

Gene: DMD (dystrophin; minus strand). Cytogenetic location: Xp21.2.
Variant type: Deletion.
Coding change: c.10270_10275del on transcript NM_004006.3 (MANE Select); coding-DNA positions 10270 to 10275, 6 bases deleted (TCGTCC; older notation c.10270_10275delTCGTCC).
Protein change: p.Ser3424_Ser3425del.
Molecular consequence: inframe deletion. On other transcripts: inframe indel (1), intron variant (2).
Genome position (GRCh38, 1-based): chrX:31,173,592-31,173,597, GGACGA deleted on the plus strand (TCGTCC on the coding strand, the reverse complement: DMD is on the minus strand); deleting any 6 consecutive bases within chrX:31,173,592-31,173,599 gives the same sequence; the c. name uses the placement nearest the transcript's 3' end. VCF-style (leftmost placement, unchanged base first): chrX-31173591-GGGACGA-G. GRCh37 (hg19) VCF-style: chrX-31191708-GGGACGA-G.
Other names: c.10246_10251del, p.Ser3416_Ser3417del (NM_000109.4); c.10268_10273delCCTCGT, p.Ser3424_Ser3425del (NM_004006.2); c.10258_10263del, p.Ser3420_Ser3421del (NM_004009.3); c.9901_9906del, p.Ser3301_Ser3302del (NM_004010.3); c.6247_6252del, p.Ser2083_Ser2084del (NM_004011.4); c.6238_6243del, p.Ser2080_Ser2081del (NM_004012.4); c.2890_2895del, p.Ser964_Ser965del (NM_004013.3, NM_004021.3); c.2083_2088del, p.Ser695_Ser696del (NM_004014.3); and 4 more.
Identifiers: ClinVar variation 2504420 (VCV002504420.1), dbSNP rs1340860706, ClinGen allele CA874591371.